The following is an entry in ClinVar:

ClinVar aggregate classification (germline): Uncertain significance (1 of 4 stars; one submission).

Conditions:
Muscular dystrophy-dystroglycanopathy (congenital with brain and eye anomalies), type a, 11 (MDDGA11). Also called: WALKER-WARBURG SYNDROME OR MUSCLE-EYE-BRAIN DISEASE, B3GALNT2-RELATED; Congenital muscular dystrophy-dystroglycanopathy with brain and eye anomalies, type A11; Muscular dystrophy-dystroglycanopathy (congenital with brain and eye anomalies, type A, 11. Identifiers: Orphanet 588, Orphanet 899, MedGen C3554638, MONDO:0014071, OMIM 615181.

Allele frequency attached by ClinVar (database versions not stated): gnomAD 0.00001.
gnomAD v4.1: 3 of 1,612,808 alleles (0.00019%); highest among the groups gnomAD compares: Admixed American, 0.0017%; no homozygotes.

Submission:

Labcorp Genetics (formerly Invitae), Labcorp
Classification: Uncertain significance for Muscular dystrophy-dystroglycanopathy (congenital with brain and eye anomalies), type a, 11. Last evaluated: 2022-08-19. Review status: criteria provided, single submitter. Criteria: Invitae Variant Classification Sherloc (09022015). Collection method: clinical testing. Allele origin: germline.
Comment: This variant has not been reported in the literature in individuals affected with B3GALNT2-related conditions. This variant is present in population databases (no rsID available, gnomAD 0.003%). This sequence change replaces arginine, which is basic and polar, with glycine, which is neutral and non-polar, at codon 393 of the B3GALNT2 protein (p.Arg393Gly). Algorithms developed to predict the effect of missense changes on protein structure and function are either unavailable or do not agree on the potential impact of this missense change (SIFT: "Deleterious"; PolyPhen-2: "Possibly Damaging"; Align-GVGD: "Class C0"). In summary, the available evidence is currently insufficient to determine the role of this variant in disease. Therefore, it has been classified as a Variant of Uncertain Significance.

NM_152490.5(B3GALNT2):c.1177C>G (p.Arg393Gly)

Gene: B3GALNT2 (beta-1,3-N-acetylgalactosaminyltransferase 2; minus strand). Cytogenetic location: 1q42.3.
Variant type: single nucleotide variant.
Coding change: c.1177C>G on transcript NM_152490.5 (MANE Select); coding-DNA position 1177, C replaced by G.
Protein change: p.Arg393Gly; replaces arginine 393 with glycine.
Molecular consequence: missense variant.
Genome position (GRCh38, 1-based): chr1:235,454,290, G>C on the plus strand (C>G on the coding strand, the complement: B3GALNT2 is on the minus strand). VCF-style: chr1-235454290-G-C. GRCh37 (hg19) VCF-style: chr1-235617602-G-C.
Other names: short protein forms R393G.
Identifiers: ClinVar variation 1989773 (VCV001989773.4), dbSNP rs1300792331, ClinGen allele CA344957148.